The following is an entry in ClinVar:

NM_000718.4(CACNA1B):c.1187-8C>T

Gene: CACNA1B (calcium voltage-gated channel subunit alpha1 B; plus strand). Cytogenetic location: 9q34.3.
Variant type: single nucleotide variant.
Coding change: c.1187-8C>T on transcript NM_000718.4 (MANE Select); 8 bases into the intron before coding-DNA position 1187, C replaced by T.
Molecular consequence: intron variant.
Genome position (GRCh38, 1-based): chr9:137,956,763, C>T. VCF-style: chr9-137956763-C-T. GRCh37 (hg19) VCF-style: chr9-140851215-C-T.
Other names: c.1187-8C>T (NM_001243812.2).
Identifiers: ClinVar variation 1580130 (VCV001580130.40), dbSNP rs181095015, ClinGen allele CA5376074.

ClinVar aggregate classification (germline): Likely benign. Review status: criteria provided, multiple submitters, no conflicts (2 of 4 stars). 3 submissions from 3 submitters: Likely benign (3). Last evaluated 2026-01-02.

Allele frequency attached by ClinVar (database versions not stated): ExAC 0.00022; ESP Exome Variant Server 0.00040; 1000 Genomes Project 0.00100; 1000 Genomes Project 30x 0.00141.
gnomAD v4.1: 608 of 1,613,458 alleles (0.038%); highest among the groups gnomAD compares: Admixed American, 0.13%; 1 homozygote.

Submissions (3):

Labcorp Genetics (formerly Invitae), Labcorp
Classification: Likely benign. Last evaluated: 2026-01-02. Review status: criteria provided, single submitter. Criteria: Invitae Variant Classification Sherloc (09022015). Collection method: clinical testing. Allele origin: germline.

CeGaT Center for Human Genetics Tuebingen
Classification: Likely benign. Last evaluated: 2024-11-01. Review status: criteria provided, single submitter. Criteria: CeGaT Center For Human Genetics Tuebingen Variant Classification Criteria Version 2. Collection method: clinical testing. Allele origin: germline. Affected: yes. Observed: 3 variant alleles.
Comment: CACNA1B: BP4, BS2

Blueprint Genetics
Classification: Likely benign. Last evaluated: 2024-08-28. Review status: criteria provided, single submitter. Criteria: ACMG Guidelines, 2015. Collection method: clinical testing. Allele origin: germline.